The following is an entry in ClinVar:

ClinVar aggregate classification (germline): Conflicting classifications of pathogenicity. Review status: criteria provided, conflicting classifications (1 of 4 stars). 2 submissions from 2 submitters: Uncertain significance (1); Likely benign (1). Last evaluated 2026-01-12.

Allele frequency attached by ClinVar (database versions not stated): TOPMed 0.00006; gnomAD 0.00010 and 0.00011.
gnomAD v4.1: 206 of 1,613,846 alleles (0.013%); highest among the groups gnomAD compares: Middle Eastern, 0.12%; 1 homozygote.

Submissions (3):

Labcorp Genetics (formerly Invitae), Labcorp
Classification: Uncertain significance. Last evaluated: 2026-01-12. Review status: criteria provided, single submitter. Criteria: Invitae Variant Classification Sherloc (09022015). Collection method: clinical testing. Allele origin: germline.
Comment: This sequence change falls in intron 9 of the RELA gene. It does not directly change the encoded amino acid sequence of the RELA protein. It affects a nucleotide within the consensus splice site. This variant is present in population databases (rs12721571, gnomAD 0.02%). This variant has not been reported in the literature in individuals affected with RELA-related conditions. ClinVar contains an entry for this variant (Variation ID: 1377525). Variants that disrupt the consensus splice site are a relatively common cause of aberrant splicing (PMID: 17576681, 9536098). Algorithms developed to predict the effect of sequence changes on RNA splicing suggest that this variant is not likely to affect RNA splicing. In summary, the available evidence is currently insufficient to determine the role of this variant in disease. Therefore, it has been classified as a Variant of Uncertain Significance.

Blueprint Genetics
Classification: Likely benign. Last evaluated: 2024-11-07. Review status: criteria provided, single submitter. Criteria: ACMG Guidelines, 2015. Collection method: clinical testing. Allele origin: germline.

Dr. Peter K. Rogan Lab, Western University
No classification provided (evidence only). Condition: Gastric cancer. Review status: no classification provided. Collection method: in vitro. Allele origin: not applicable. Functional consequence: retained intron. Not counted in ClinVar's aggregate classification.

Literature cited by the submitters: PubMed 17576681 (cited by Labcorp Genetics (formerly Invitae), Labcorp); PubMed 9536098 (cited by Labcorp Genetics (formerly Invitae), Labcorp).

NM_021975.4(RELA):c.959-3C>T

Gene: RELA (RELA proto-oncogene, NF-kB subunit; minus strand). Cytogenetic location: 11q13.1.
Variant type: single nucleotide variant.
Coding change: c.959-3C>T on transcript NM_021975.4 (MANE Select); 3 bases into the intron before coding-DNA position 959, C replaced by T.
Molecular consequence: intron variant.
Genome position (GRCh38, 1-based): chr11:65,655,765, G>A on the plus strand (C>T on the coding strand, the complement: RELA is on the minus strand). VCF-style: chr11-65655765-G-A. GRCh37 (hg19) VCF-style: chr11-65423236-G-A.
Other names: c.950-3C>T (NM_001145138.2); c.959-3C>T (NM_001243984.2, NM_001243985.2).
Identifiers: ClinVar variation 1377525 (VCV001377525.8), dbSNP rs12721571, ClinGen allele CA6106717.